The following is an entry in ClinVar:

NM_001355436.2(SPTB):c.1493G>A (p.Arg498His)

Gene: SPTB (spectrin beta, erythrocytic; minus strand). Cytogenetic location: 14q23.3.
Variant type: single nucleotide variant.
Coding change: c.1493G>A on transcript NM_001355436.2 (MANE Select); coding-DNA position 1493, G replaced by A.
Protein change: p.Arg498His; replaces arginine 498 with histidine.
Molecular consequence: missense variant.
Genome position (GRCh38, 1-based): chr14:64,795,488, C>T on the plus strand (G>A on the coding strand, the complement: SPTB is on the minus strand). VCF-style: chr14-64795488-C-T. GRCh37 (hg19) VCF-style: chr14-65262206-C-T.
Other names: NM_000347.5:c.1493G>A; p.Arg498His; c.1493G>A (NM_001024858.2); c.1493G>A, p.Arg498His (NM_001024858.4, NM_001355437.2); short protein forms R498H.
Identifiers: ClinVar variation 313766 (VCV000313766.18), dbSNP rs140796444, ClinGen allele CA7231103.

ClinVar aggregate classification (germline): Uncertain significance. Review status: criteria provided, multiple submitters, no conflicts (2 of 4 stars). 6 submissions from 6 submitters: Uncertain significance (5). 1 of the submissions does not count toward it. Last evaluated 2025-03-27.

Conditions:
Pyropoikilocytosis, hereditary. Also called: Pyropoikilocytosis. Identifiers: MedGen C0520739, MONDO:0009948, OMIM 266140, HP:0004839. Disease mechanism: loss of function.
SPTB-related disorder. Also called: SPTB-Related Disorders; SPTB-related condition.

Allele frequency attached by ClinVar (database versions not stated): gnomAD exomes 0.00002 and 0.00005; ExAC 0.00006; gnomAD 0.00007 and 0.00008; TOPMed 0.00008; ESP Exome Variant Server 0.00015.
gnomAD v4.1: 42 of 1,614,034 alleles (0.0026%); highest among the groups gnomAD compares: Admixed American, 0.02%; no homozygotes.

Submissions (6):

Labcorp Genetics (formerly Invitae), Labcorp
Classification: Uncertain significance. Last evaluated: 2025-03-27. Review status: criteria provided, single submitter. Criteria: Invitae Variant Classification Sherloc (09022015). Collection method: clinical testing. Allele origin: germline.
Comment: This sequence change replaces arginine, which is basic and polar, with histidine, which is basic and polar, at codon 498 of the SPTB protein (p.Arg498His). This variant is present in population databases (rs140796444, gnomAD 0.02%). This variant has not been reported in the literature in individuals affected with SPTB-related conditions. ClinVar contains an entry for this variant (Variation ID: 313766). An algorithm developed to predict the effect of missense changes on protein structure and function (PolyPhen-2) suggests that this variant is likely to be disruptive. In summary, the available evidence is currently insufficient to determine the role of this variant in disease. Therefore, it has been classified as a Variant of Uncertain Significance.

Blueprint Genetics
Classification: Uncertain significance. Last evaluated: 2024-07-30. Review status: criteria provided, single submitter. Criteria: ACMG Guidelines, 2015. Collection method: clinical testing. Allele origin: germline.

Revvity Omics, Revvity
Classification: Uncertain significance. Last evaluated: 2024-07-30. Review status: criteria provided, single submitter. Criteria: ACMG Guidelines, 2015. Collection method: clinical testing. Allele origin: germline.

Mayo Clinic Laboratories, Mayo Clinic
Classification: Uncertain significance. Last evaluated: 2021-11-05. Review status: criteria provided, single submitter. Criteria: ACMG Guidelines, 2015. Collection method: clinical testing. Allele origin: germline.

Baylor Genetics
Classification: Uncertain significance for Pyropoikilocytosis, hereditary. Last evaluated: 2019-11-08. Review status: criteria provided, single submitter. Criteria: ACMG Guidelines, 2015. Collection method: clinical testing. Allele origin: unknown. Affected: yes.
Comment: This variant was determined to be of uncertain significance according to ACMG Guidelines, 2015 [PMID:25741868].

PreventionGenetics, part of Exact Sciences
Classification: Uncertain significance for SPTB-related condition. Last evaluated: 2024-01-30. Review status: no assertion criteria provided. Collection method: clinical testing. Allele origin: germline. Not counted in ClinVar's aggregate classification.
Comment: The SPTB c.1493G>A variant is predicted to result in the amino acid substitution p.Arg498His. To our knowledge, this variant has not been reported in the literature. This variant is reported in 0.017% of alleles in individuals of Latino descent in gnomAD. At this time, the clinical significance of this variant is uncertain due to the absence of conclusive functional and genetic evidence.